The following is an entry in ClinVar:

NM_001378328.1(CELSR1):c.3205G>A (p.Glu1069Lys)

Gene: CELSR1 (cadherin EGF LAG seven-pass G-type receptor 1; minus strand). Cytogenetic location: 22q13.31.
Variant type: single nucleotide variant.
Coding change: c.3205G>A on transcript NM_001378328.1 (MANE Select); coding-DNA position 3205, G replaced by A.
Protein change: p.Glu1069Lys; replaces glutamic acid 1069 with lysine.
Molecular consequence: missense variant.
Genome position (GRCh38, 1-based): chr22:46,533,966, C>T on the plus strand (G>A on the coding strand, the complement: CELSR1 is on the minus strand). VCF-style: chr22-46533966-C-T. GRCh37 (hg19) VCF-style: chr22-46929863-C-T.
Other names: c.3205G>A, p.Glu1069Lys (NM_014246.4); short protein forms E1069K.
Identifiers: ClinVar variation 450803 (VCV000450803.2), dbSNP rs1555941126, ClinGen allele CA411937950.
Genomic context (GRCh38, chr22:46,533,966, plus strand): 5'-TGTGCACCGTGGCTCGGCTCACCAGCGGAGCCGACGTGGCCTGCACCACCAGCACATACT[C>T]CCGCCGGACCTCAAAGTCCAGCTCCACCATGGCACGCAGGTCCCCGTTGAGCAGGTCCAG-3'
Protein context (NP_001365257.1, residues 1059-1079): MVELDFEVRR[Glu1069Lys]YVLVVQATSA

ClinVar aggregate classification (germline): Uncertain significance (1 of 4 stars; one submission).

Submission:

GeneDx
Classification: Uncertain significance. Last evaluated: 2017-07-31. Review status: criteria provided, single submitter. Criteria: GeneDx Variant Classification (06012015). Collection method: clinical testing. Allele origin: germline. Affected: yes.
Comment: The c.3205 G>A variant in the CELSR1 gene has not been reported previously as a pathogenic variant, nor as a benign variant, to our knowledge. The c.3205 G>A variant is not observed in large population cohorts (Lek et al., 2016; 1000 Genomes Consortium et al., 2015; Exome Variant Server). In-silico splice models predict that c.3205 G>A may create a cryptic splice donor site upstream to the natural splice donor site of intron 1 that could supplant the natural splice donor site. However, in the absence of RNA/functional studies, the actual effect of the c.3205 G>A change in this individual is unknown. If c.3205 G>A does not alter splicing, it will result in the E1069K missense change. The E1069K variant is a non-conservative amino acid substitution, which is likely to impact secondary protein structure as these residues differ in polarity, charge, size and/or other properties. This substitution occurs at a position where amino acids with similar properties to Glutamic Acid are tolerated across species. In silico analysis predicts this variant is probably damaging to the protein structure/function. We interpret c.3205 G>A as a variant of uncertain significance.